The following is an entry in ClinVar:

ClinVar aggregate classification (germline): Uncertain significance (1 of 4 stars; one submission).

Conditions:
Multiple mitochondrial dysfunctions syndrome 1 (MMDS1). Identifiers: Orphanet 401869, MedGen C3276432, MONDO:0011582, OMIM 605711.

Allele frequency attached by ClinVar (database versions not stated): gnomAD exomes below 0.00001 and 0.00001; gnomAD 0.00003.
gnomAD v4.1: 8 of 1,564,292 alleles (0.00051%); highest among the groups gnomAD compares: Non-Finnish European, 0.00062%; no homozygotes.

Submission:

Labcorp Genetics (formerly Invitae), Labcorp
Classification: Uncertain significance for Multiple mitochondrial dysfunctions syndrome 1. Last evaluated: 2024-02-19. Review status: criteria provided, single submitter. Criteria: Invitae Variant Classification Sherloc (09022015). Collection method: clinical testing. Allele origin: germline.
Comment: This sequence change replaces glutamic acid, which is acidic and polar, with glycine, which is neutral and non-polar, at codon 124 of the NFU1 protein (p.Glu124Gly). This variant is present in population databases (no rsID available, gnomAD 0.002%). This variant has not been reported in the literature in individuals affected with NFU1-related conditions. ClinVar contains an entry for this variant (Variation ID: 1413449). An algorithm developed to predict the effect of missense changes on protein structure and function (PolyPhen-2) suggests that this variant is likely to be tolerated. In summary, the available evidence is currently insufficient to determine the role of this variant in disease. Therefore, it has been classified as a Variant of Uncertain Significance.

NM_001002755.4(NFU1):c.371A>G (p.Glu124Gly)

Gene: NFU1 (NFU1 iron-sulfur cluster scaffold; minus strand). Cytogenetic location: 2p13.3.
Variant type: single nucleotide variant.
Coding change: c.371A>G on transcript NM_001002755.4 (MANE Select); coding-DNA position 371, A replaced by G.
Protein change: p.Glu124Gly; replaces glutamic acid 124 with glycine.
Molecular consequence: missense variant. On other transcripts: 5 prime UTR variant (1), non-coding transcript variant (2).
Genome position (GRCh38, 1-based): chr2:69,415,298, T>C on the plus strand (A>G on the coding strand, the complement: NFU1 is on the minus strand). VCF-style: chr2-69415298-T-C. GRCh37 (hg19) VCF-style: chr2-69642430-T-C.
Other names: c.-53A>G (NM_001002756.2); c.299A>G, p.Glu100Gly (NM_001374284.1, NM_015700.4); short protein forms E100G, E124G.
Identifiers: ClinVar variation 1413449 (VCV001413449.8), dbSNP rs1235176737, ClinGen allele CA347126922.